The following is an entry in ClinVar:

ClinVar aggregate classification (germline): Uncertain significance (1 of 4 stars; one submission).

Allele frequency attached by ClinVar (database versions not stated): ExAC 0.00001; gnomAD 0.00001; TOPMed 0.00003.
gnomAD v4.1: 3 of 1,613,942 alleles (0.00019%); highest among the groups gnomAD compares: African/African-American, 0.0013%; no homozygotes.

Submission:

Labcorp Genetics (formerly Invitae), Labcorp
Classification: Uncertain significance. Last evaluated: 2022-04-28. Review status: criteria provided, single submitter. Criteria: Invitae Variant Classification Sherloc (09022015). Collection method: clinical testing. Allele origin: germline.
Comment: This sequence change replaces serine, which is neutral and polar, with asparagine, which is neutral and polar, at codon 1694 of the NBAS protein (p.Ser1694Asn). This variant is present in population databases (rs757665960, gnomAD 0.0009%). This variant has not been reported in the literature in individuals affected with NBAS-related conditions. Algorithms developed to predict the effect of missense changes on protein structure and function output the following: SIFT: "Deleterious"; PolyPhen-2: "Benign"; Align-GVGD: "Class C45". The asparagine amino acid residue is found in multiple mammalian species, which suggests that this missense change does not adversely affect protein function. In summary, the available evidence is currently insufficient to determine the role of this variant in disease. Therefore, it has been classified as a Variant of Uncertain Significance.

NM_015909.4(NBAS):c.5081G>A (p.Ser1694Asn)

Gene: NBAS (NBAS subunit of NRZ tethering complex; minus strand). Cytogenetic location: 2p24.3.
Variant type: single nucleotide variant.
Coding change: c.5081G>A on transcript NM_015909.4 (MANE Select); coding-DNA position 5081, G replaced by A.
Protein change: p.Ser1694Asn; replaces serine 1694 with asparagine.
Molecular consequence: missense variant. On other transcripts: non-coding transcript variant (1).
Genome position (GRCh38, 1-based): chr2:15,287,130, C>T on the plus strand (G>A on the coding strand, the complement: NBAS is on the minus strand). VCF-style: chr2-15287130-C-T. GRCh37 (hg19) VCF-style: chr2-15427254-C-T.
Other names: short protein forms S1694N.
Identifiers: ClinVar variation 1933867 (VCV001933867.2), dbSNP rs757665960, ClinGen allele CA1535394.